The following is an entry in ClinVar:

ClinVar aggregate classification (germline): Benign (1 of 4 stars; one submission).

gnomAD v4.1: 1,723 of 1,610,170 alleles (0.11%); highest among the groups gnomAD compares: South Asian, 1.2%; 26 homozygotes.

Submission:

CeGaT Center for Human Genetics Tuebingen
Classification: Benign. Last evaluated: 2026-02-01. Review status: criteria provided, single submitter. Criteria: CeGaT Center For Human Genetics Tuebingen Variant Classification Criteria Version 2. Collection method: clinical testing. Allele origin: germline. Affected: yes. Observed: 1 variant allele.
Comment: UBE4A: BP4, BS1, BS2

NM_001204077.2(UBE4A):c.3075-4C>T

Genes: UBE4A (ubiquitination factor E4A; plus strand), LOC100131626 (uncharacterized LOC100131626; minus strand). Cytogenetic location: 11q23.3.
Variant type: single nucleotide variant.
Coding change: c.3075-4C>T on transcript NM_001204077.2 (MANE Select); 4 bases into the intron before coding-DNA position 3075, C replaced by T.
Molecular consequence: intron variant.
Genome position (GRCh38, 1-based): chr11:118,396,310, C>T. VCF-style: chr11-118396310-C-T. GRCh37 (hg19) VCF-style: chr11-118267025-C-T.
Other names: c.3096-4C>T (NM_004788.4).
Identifiers: ClinVar variation 4821148 (VCV004821148.4).
Genomic context (GRCh38, chr11:118,396,310, plus strand): 5'-TTTTTGGCTTAGAATGTTAGAACTTATGGAAATAACCCTATTTCCCTTTCTCTCTTTGTC[C>T]CAGTGACCAAACAGATCCCTTTAACCGTAGTCCCCTCACCATGGACCAGATCCGGCCAAA-3'